The following is an entry in ClinVar:

ClinVar aggregate classification (germline): Uncertain significance (1 of 4 stars; one submission).

Conditions:
Inborn genetic diseases. Identifiers: MedGen C0950123, MeSH D030342.

Allele frequency attached by ClinVar (database versions not stated): TOPMed 0.00001.
gnomAD v4.1: 4 of 1,597,240 alleles (0.00025%); highest among the groups gnomAD compares: Admixed American, 0.0073%; no homozygotes.

Submission:

Ambry Genetics
Classification: Uncertain significance for Inborn genetic diseases. Last evaluated: 2022-11-09. Review status: criteria provided, single submitter. Criteria: Ambry Variant Classification Scheme 2023. Collection method: clinical testing. Allele origin: germline.
Comment: The c.5752-3T>C intronic alteration consists of a T to C substitution 3 nucleotides before exon 16 of the BPTF gene. Based on insufficient or conflicting evidence, the clinical significance of this alteration remains unclear.

NM_182641.4(BPTF):c.5752-3T>C

Gene: BPTF (bromodomain PHD finger transcription factor; plus strand). Cytogenetic location: 17q24.2.
Variant type: single nucleotide variant.
Coding change: c.5752-3T>C on transcript NM_182641.4 (MANE Select); 3 bases into the intron before coding-DNA position 5752, T replaced by C.
Molecular consequence: intron variant.
Genome position (GRCh38, 1-based): chr17:67,928,352, T>C. VCF-style: chr17-67928352-T-C. GRCh37 (hg19) VCF-style: chr17-65924468-T-C.
Other names: c.6130-3T>C (NM_004459.7).
Identifiers: ClinVar variation 2286421 (VCV002286421.2), dbSNP rs1465463112, ClinGen allele CA627158928.